The following is an entry in ClinVar:

ClinVar aggregate classification (germline): Uncertain significance (1 of 4 stars; one submission).

Allele frequency attached by ClinVar (database versions not stated): gnomAD exomes below 0.00001.
gnomAD v4.1: 2 of 1,613,828 alleles (0.00012%); highest among the groups gnomAD compares: Non-Finnish European, 0.00017%; no homozygotes.

Submission:

Labcorp Genetics (formerly Invitae), Labcorp
Classification: Uncertain significance. Last evaluated: 2024-01-02. Review status: criteria provided, single submitter. Criteria: Invitae Variant Classification Sherloc (09022015). Collection method: clinical testing. Allele origin: germline.
Comment: This sequence change replaces arginine, which is basic and polar, with lysine, which is basic and polar, at codon 2027 of the POLE protein (p.Arg2027Lys). This variant is present in population databases (no rsID available, gnomAD 0.0009%). This variant has not been reported in the literature in individuals affected with POLE-related conditions. Algorithms developed to predict the effect of missense changes on protein structure and function output the following: SIFT: "Not Available"; PolyPhen-2: "Benign"; Align-GVGD: "Not Available". The lysine amino acid residue is found in multiple mammalian species, which suggests that this missense change does not adversely affect protein function. In summary, the available evidence is currently insufficient to determine the role of this variant in disease. Therefore, it has been classified as a Variant of Uncertain Significance.

NM_006231.4(POLE):c.6080G>A (p.Arg2027Lys)

Gene: POLE (DNA polymerase epsilon, catalytic subunit; minus strand). Cytogenetic location: 12q24.33.
Variant type: single nucleotide variant.
Coding change: c.6080G>A on transcript NM_006231.4 (MANE Select); coding-DNA position 6080, G replaced by A.
Protein change: p.Arg2027Lys; replaces arginine 2027 with lysine.
Molecular consequence: missense variant.
Genome position (GRCh38, 1-based): chr12:132,632,720, C>T on the plus strand (G>A on the coding strand, the complement: POLE is on the minus strand). VCF-style: chr12-132632720-C-T. GRCh37 (hg19) VCF-style: chr12-133209306-C-T.
Other names: short protein forms R2027K.
Identifiers: ClinVar variation 2789841 (VCV002789841.3), dbSNP rs1479792502, ClinGen allele CA387370587.